The following is an entry in ClinVar:

ClinVar aggregate classification (germline): Benign/Likely benign. Review status: criteria provided, multiple submitters, no conflicts (2 of 4 stars). 5 submissions from 5 submitters: Benign (1); Likely benign (3). 1 of the submissions does not count toward it. Last evaluated 2025-12-09.

Conditions:
Ataxia-telangiectasia syndrome (AT). Also called: Ataxia telangiectasia (A-T); Ataxia-telangiectasia, complementation group E; LOUIS-BAR SYNDROME; Cerebello-oculocutaneous telangiectasia; Immunodeficiency with ataxia telangiectasia; Ataxia-telangiectasia, complementation group D. Identifiers: Orphanet 100, MedGen C0004135, MONDO:0008840, OMIM 208900.
Hereditary cancer-predisposing syndrome. Also called: Hereditary Cancer Syndrome; Neoplastic Syndromes, Hereditary; Tumor predisposition; Hereditary neoplastic syndrome. Identifiers: Orphanet 140162, MedGen C0027672, MeSH D009386, MONDO:0015356.
Familial cancer of breast. Also called: Hereditary breast cancer; hereditary breast carcinoma; BREAST CANCER, FAMILIAL. Identifiers: Orphanet 227535, MedGen C0346153, MONDO:0016419, OMIM 114480. Disease mechanism: loss of function.

Submissions (5):

Labcorp Genetics (formerly Invitae), Labcorp
Classification: Likely benign for Ataxia-telangiectasia syndrome. Last evaluated: 2025-12-09. Review status: criteria provided, single submitter. Criteria: Invitae Variant Classification Sherloc (09022015). Collection method: clinical testing. Allele origin: germline.

Myriad Genetics, Inc.
Classification: Benign for Familial cancer of breast. Last evaluated: 2024-04-26. Review status: criteria provided, single submitter. Criteria: Myriad Autosomal Dominant, Autosomal Recessive and X-Linked Classification Criteria (2023). Collection method: clinical testing. Allele origin: unknown.
Comment: This variant is considered benign. This variant is a silent/synonymous amino acid change and it is not expected to impact splicing.

Color Diagnostics, LLC DBA Color Health
Classification: Likely benign for Hereditary cancer-predisposing syndrome. Last evaluated: 2017-10-06. Review status: criteria provided, single submitter. Criteria: ACMG Guidelines, 2015. Collection method: clinical testing. Allele origin: germline.

Ambry Genetics
Classification: Likely benign for Hereditary cancer-predisposing syndrome. Last evaluated: 2017-03-02. Review status: criteria provided, single submitter. Criteria: Ambry Variant Classification Scheme 2023. Collection method: clinical testing. Allele origin: germline.

Department of Pathology and Laboratory Medicine, Sinai Health System
Classification: Likely benign. Review status: no assertion criteria provided. Collection method: clinical testing. Allele origin: unknown. Affected: yes. Observed: 1 variant allele. Study: The Canadian Open Genetics Repository (COGR). Not counted in ClinVar's aggregate classification.
Comment: The ATM p.Leu432= variant was not identified in the literature nor was it identified in the dbSNP, GeneInsight-COGR, MutDB, or LOVD 3.0 databases. The variant was identified in ClinVar and Clinvitae databases as likely benign by Ambry Genetics and in the Cosmic database 1X in breast cancer. The variant was not identified in the following control databases: the 1000 Genomes Project, the NHLBI GO Exome Sequencing Project, the Exome Aggregation Consortium (August 8th 2016), or the Genome Aggregation Database (Feb 27, 2017). The p.Leu432= variant is not expected to have clinical significance because it does not result in a change of amino acid and is not located in a known consensus splice site. In addition, in silico or computational prediction software programs (SpliceSiteFinder, MaxEntScan, NNSPLICE, GeneSplicer, HumanSpliceFinder) do not predict a difference in splicing. In summary, based on the above information the clinical significance of this variant cannot be determined with certainty at this time although we would lean towards a more benign role for this variant. This variant is classified as likely benign.

NM_000051.4(ATM):c.1296G>C (p.Leu432=)

Gene: ATM (ATM serine/threonine kinase; plus strand). Cytogenetic location: 11q22.3.
Variant type: single nucleotide variant.
Coding change: c.1296G>C on transcript NM_000051.4 (MANE Select); coding-DNA position 1296, G replaced by C.
Protein change: p.Leu432=; no amino-acid change (leucine 432 retained).
Molecular consequence: synonymous variant.
Genome position (GRCh38, 1-based): chr11:108,250,761, G>C. VCF-style: chr11-108250761-G-C. GRCh37 (hg19) VCF-style: chr11-108121488-G-C.
Other names: c.1296G>C, p.Leu432= (NM_001351834.2).
Identifiers: ClinVar variation 231004 (VCV000231004.20), dbSNP rs876658894, ClinGen allele CA10579002.